The following is an entry in ClinVar:

NM_002473.6(MYH9):c.2547C>T (p.Ala849=)

Gene: MYH9 (myosin heavy chain 9; minus strand). Cytogenetic location: 22q12.3.
Variant type: single nucleotide variant.
Coding change: c.2547C>T on transcript NM_002473.6 (MANE Select); coding-DNA position 2547, C replaced by T.
Protein change: p.Ala849=; no amino-acid change (alanine 849 retained).
Molecular consequence: synonymous variant.
Genome position (GRCh38, 1-based): chr22:36,301,618, G>A on the plus strand (C>T on the coding strand, the complement: MYH9 is on the minus strand). VCF-style: chr22-36301618-G-A. GRCh37 (hg19) VCF-style: chr22-36697664-G-A.
Identifiers: ClinVar variation 4974625 (VCV004974625.1).
Genomic context (GRCh38, chr22:36,301,618, plus strand): 5'-CGTGAGCCTGTTCTCCGCAGCCAGCTGCTTCTCTCTGACCTTCACCAGCTCCTCCTCCTT[G>A]GCCATCATCTCCTCCTCCTGCCGGCTCACCTGCAGCAGCGGCTTGACCTGGGAGAGGAGA-3'
Protein context (NP_002464.1, residues 839-859): QVSRQEEEMM[Ala849=]KEEELVKVRE

ClinVar aggregate classification (germline): Uncertain significance (1 of 4 stars; one submission).

Conditions:
Macrothrombocytopenia and granulocyte inclusions with or without nephritis or sensorineural hearing loss (MATINS). Also called: MAY-HEGGLIN ANOMALY; DOHLE LEUKOCYTE INCLUSIONS WITH GIANT PLATELETS; MACROTHROMBOCYTOPENIA WITH LEUKOCYTE INCLUSIONS; BLEEDING DISORDER, PLATELET-TYPE, 6; SEBASTIAN PLATELET SYNDROME; MACROTHROMBOCYTOPENIA WITH DISPERSED LEUKOCYTIC INCLUSIONS. Identifiers: Orphanet 182050, MedGen C5200934, MONDO:0015912, OMIM 155100.

gnomAD v4.1: 1 of 1,613,902 alleles (0.000062%); highest among the groups gnomAD compares: South Asian, 0.0011%; no homozygotes.

Submission:

Clinical Genomics Laboratory, Washington University in St. Louis
Classification: Uncertain significance for Macrothrombocytopenia and granulocyte inclusions with or without nephritis or sensorineural hearing loss. Last evaluated: 2025-10-07. Review status: criteria provided, single submitter. Criteria: ACMG Guidelines, 2015. Collection method: clinical testing. Allele origin: germline.
Comment: An MYH9 c.2547C>T (p.Ala849=) variant was identified in a heterozygous state. This variant, to our knowledge, has not been reported in the medical literature or in the ClinVar database. This variant is only observed on 1/1,613,902 alleles in the general population (gnomAD v.4.1.0), indicating it is not a common variant. Computational predictors indicate that the variant has no impact on splicing, evidence that this variant does not have a damaging effect on MYH9 function. Due to limited information and based on ACMG/AMP guidelines for variant interpretation (Richards S et al., PMID: 25741868), the clinical significance of this variant is uncertain at this time.